The following is an entry in ClinVar:

NM_000245.4(MET):c.1066C>T (p.Pro356Ser)

Gene: MET (MET proto-oncogene, receptor tyrosine kinase; plus strand). Cytogenetic location: 7q31.2.
Variant type: single nucleotide variant.
Coding change: c.1066C>T on transcript NM_000245.4 (MANE Select); coding-DNA position 1066, C replaced by T.
Protein change: p.Pro356Ser; replaces proline 356 with serine.
Molecular consequence: missense variant. On other transcripts: intron variant (1).
Genome position (GRCh38, 1-based): chr7:116,700,150, C>T. VCF-style: chr7-116700150-C-T. GRCh37 (hg19) VCF-style: chr7-116340204-C-T.
Other names: c.1066C>T, p.Pro356Ser (NM_001127500.3, NM_001324401.3); c.-91+27573C>T (NM_001324402.2); short protein forms P356S.
Identifiers: ClinVar variation 1947950 (VCV001947950.5), dbSNP rs2116604644, ClinGen allele CA368970466.

ClinVar aggregate classification (germline): Uncertain significance (1 of 4 stars; one submission).

Conditions:
Renal cell carcinoma. Identifiers: Orphanet 217071, MedGen C0007134, MeSH D002292, MONDO:0005086, HP:0005584.

Submission:

Labcorp Genetics (formerly Invitae), Labcorp
Classification: Uncertain significance for Renal cell carcinoma. Last evaluated: 2023-10-20. Review status: criteria provided, single submitter. Criteria: Invitae Variant Classification Sherloc (09022015). Collection method: clinical testing. Allele origin: germline.
Comment: This sequence change replaces proline, which is neutral and non-polar, with serine, which is neutral and polar, at codon 356 of the MET protein (p.Pro356Ser). This variant is not present in population databases (gnomAD no frequency). This variant has not been reported in the literature in individuals affected with MET-related conditions. ClinVar contains an entry for this variant (Variation ID: 1947950). Advanced modeling of protein sequence and biophysical properties (such as structural, functional, and spatial information, amino acid conservation, physicochemical variation, residue mobility, and thermodynamic stability) performed at Invitae indicates that this missense variant is not expected to disrupt MET protein function. In summary, the available evidence is currently insufficient to determine the role of this variant in disease. Therefore, it has been classified as a Variant of Uncertain Significance.